The following is an entry in ClinVar:

NM_001374736.1(DST):c.17126G>T (p.Gly5709Val)

Gene: DST (dystonin; minus strand). Cytogenetic location: 6p12.1.
Variant type: single nucleotide variant.
Coding change: c.17126G>T on transcript NM_001374736.1 (MANE Select); coding-DNA position 17126, G replaced by T.
Protein change: p.Gly5709Val; replaces glycine 5709 with valine.
Molecular consequence: missense variant.
Genome position (GRCh38, 1-based): chr6:56,530,116, C>A on the plus strand (G>T on the coding strand, the complement: DST is on the minus strand). VCF-style: chr6-56530116-C-A. GRCh37 (hg19) VCF-style: chr6-56394914-C-A.
Other names: c.10769G>T, p.Gly3590Val (NM_001144769.5); c.10355G>T, p.Gly3452Val (NM_001144770.2); c.17126G>T, p.Gly5709Val (NM_001374722.1); c.16493G>T, p.Gly5498Val (NM_001374729.1); c.10235G>T, p.Gly3412Val (NM_001374730.1, NM_001386100.1, NM_183380.4); c.17153G>T, p.Gly5718Val (NM_001374734.1); c.9257G>T, p.Gly3086Val (NM_015548.5); short protein forms G3590V, G5709V, G3086V, G3412V, G3452V, G5498V, G5718V.
Identifiers: ClinVar variation 1784846 (VCV001784846.2), dbSNP rs1210018401, ClinGen allele CA364509440.
Genomic context (GRCh38, chr6:56,530,116, plus strand): 5'-GTAAGCCACTCGTTCAGTGGTTCTAAGGTTTCATGAAATTGCTGTGCTACCACCGAGATA[C>A]CTTCCAACTGACGATTCCTACAAATGTGCCAAAAGGTCATTTAGGGATGAAGAATGTGTG-3'
Protein context (NP_001361665.1, residues 5699-5719): KAETRNRQLE[Gly5709Val]ISVVAQQFHE

ClinVar aggregate classification (germline): Uncertain significance (1 of 4 stars; one submission).

Conditions:
Inborn genetic diseases. Identifiers: MedGen C0950123, MeSH D030342.

Submission:

Ambry Genetics
Classification: Uncertain significance for Inborn genetic diseases. Last evaluated: 2021-12-21. Review status: criteria provided, single submitter. Criteria: Ambry Variant Classification Scheme 2023. Collection method: clinical testing. Allele origin: germline.
Comment: The p.G3590V variant (also known as c.10769G>T), located in coding exon 59 of the DST gene, results from a G to T substitution at nucleotide position 10769. The glycine at codon 3590 is replaced by valine, an amino acid with dissimilar properties. This amino acid position is not well conserved in available vertebrate species. In addition, the in silico prediction for this alteration is inconclusive. Since supporting evidence is limited at this time, the clinical significance of this alteration remains unclear.